The following is an entry in ClinVar:

ClinVar aggregate classification (germline): Uncertain significance (1 of 4 stars; one submission).

Allele frequency attached by ClinVar (database versions not stated): gnomAD 0.00001; TOPMed 0.00003; ExAC 0.00006.

Submission:

Labcorp Genetics (formerly Invitae), Labcorp
Classification: Uncertain significance. Last evaluated: 2024-07-14. Review status: criteria provided, single submitter. Criteria: Invitae Variant Classification Sherloc (09022015). Collection method: clinical testing. Allele origin: germline.
Comment: This sequence change replaces glycine, which is neutral and non-polar, with serine, which is neutral and polar, at codon 1082 of the GPR179 protein (p.Gly1082Ser). This variant is present in population databases (rs201860062, gnomAD 0.05%), including at least one homozygous and/or hemizygous individual. This variant has not been reported in the literature in individuals affected with GPR179-related conditions. ClinVar contains an entry for this variant (Variation ID: 1919868). An algorithm developed to predict the effect of missense changes on protein structure and function outputs the following: PolyPhen-2: "Benign". The serine amino acid residue is found in multiple mammalian species, which suggests that this missense change does not adversely affect protein function. In summary, the available evidence is currently insufficient to determine the role of this variant in disease. Therefore, it has been classified as a Variant of Uncertain Significance.

NM_001004334.4(GPR179):c.3244G>A (p.Gly1082Ser)

Gene: GPR179 (G protein-coupled receptor 179; minus strand). Cytogenetic location: 17q12.
Variant type: single nucleotide variant.
Coding change: c.3244G>A on transcript NM_001004334.4 (MANE Select); coding-DNA position 3244, G replaced by A.
Protein change: p.Gly1082Ser; replaces glycine 1082 with serine.
Molecular consequence: missense variant.
Genome position (GRCh38, 1-based): chr17:38,330,325, C>T on the plus strand (G>A on the coding strand, the complement: GPR179 is on the minus strand). VCF-style: chr17-38330325-C-T. GRCh37 (hg19) VCF-style: chr17-36486208-C-T.
Other names: short protein forms G1082S.
Identifiers: ClinVar variation 1919868 (VCV001919868.5), dbSNP rs201860062, ClinGen allele CA290105290.